The following is an entry in ClinVar:

ClinVar aggregate classification (germline): Uncertain significance (1 of 4 stars; one submission).

Conditions:
Inborn genetic diseases. Identifiers: MedGen C0950123, MeSH D030342.

gnomAD v4.1: 7 of 1,614,038 alleles (0.00043%); highest among the groups gnomAD compares: Non-Finnish European, 0.00051%; no homozygotes.

Submission:

Ambry Genetics
Classification: Uncertain significance for Inborn genetic diseases. Last evaluated: 2025-07-28. Review status: criteria provided, single submitter. Criteria: Ambry Variant Classification Scheme 2023. Collection method: clinical testing. Allele origin: germline.
Comment: The p.A225E variant (also known as c.674C>A), located in coding exon 5 of the MECOM gene, results from a C to A substitution at nucleotide position 674. The alanine at codon 225 is replaced by glutamic acid, an amino acid with dissimilar properties. This amino acid position is conserved. In addition, this alteration is predicted to be tolerated by in silico analysis. Based on the available evidence, the clinical significance of this variant remains unclear.

NM_004991.4(MECOM):c.674C>A (p.Ala225Glu)

Gene: MECOM (MDS1 and EVI1 complex locus; minus strand). Cytogenetic location: 3q26.2.
Variant type: single nucleotide variant.
Coding change: c.674C>A on transcript NM_004991.4 (MANE Select); coding-DNA position 674, C replaced by A.
Protein change: p.Ala225Glu; replaces alanine 225 with glutamic acid.
Molecular consequence: missense variant.
Genome position (GRCh38, 1-based): chr3:169,128,000, G>T on the plus strand (C>A on the coding strand, the complement: MECOM is on the minus strand). VCF-style: chr3-169128000-G-T. GRCh37 (hg19) VCF-style: chr3-168845788-G-T.
Other names: c.302C>A, p.Ala101Glu (NM_001105077.4); c.110C>A, p.Ala37Glu (NM_001105078.4, NM_001163999.2, NM_001164000.2 and 9 more transcripts); c.674C>A, p.Ala225Glu (NM_001366466.2, NM_001366473.2); short protein forms A37E, A225E, A101E.
Identifiers: ClinVar variation 4105800 (VCV004105800.1).